The following is an entry in ClinVar:

ClinVar aggregate classification (germline): Uncertain significance. Review status: criteria provided, multiple submitters, no conflicts (2 of 4 stars). 3 submissions from 3 submitters: Uncertain significance (3). Last evaluated 2024-12-31.

Conditions:
Inborn genetic diseases. Identifiers: MedGen C0950123, MeSH D030342.
Dyskeratosis congenita, autosomal recessive 6 (DKCB6). Identifiers: MedGen C4225356, MONDO:0014600, OMIM 616353.
Pulmonary fibrosis and/or bone marrow failure, Telomere-related, 4. Also called: PULMONARY FIBROSIS AND/OR BONE MARROW FAILURE SYNDROME, TELOMERE-RELATED, 4. Identifiers: Orphanet 2032, MedGen C4225347, MONDO:0014612, OMIM 616371.

Allele frequency attached by ClinVar (database versions not stated): gnomAD exomes 0.00003; ExAC 0.00004; gnomAD 0.00005 and 0.00006; TOPMed 0.00005; 1000 Genomes Project 30x 0.00031.
gnomAD v4.1: 36 of 1,603,190 alleles (0.0022%); highest among the groups gnomAD compares: South Asian, 0.014%; no homozygotes.

Submissions (3):

Ambry Genetics
Classification: Uncertain significance for Inborn genetic diseases. Last evaluated: 2024-12-31. Review status: criteria provided, single submitter. Criteria: Ambry Variant Classification Scheme 2023. Collection method: clinical testing. Allele origin: germline.

Labcorp Genetics (formerly Invitae), Labcorp
Classification: Uncertain significance for Dyskeratosis congenita, autosomal recessive 6; Pulmonary fibrosis and/or bone marrow failure, Telomere-related, 4. Last evaluated: 2024-10-30. Review status: criteria provided, single submitter. Criteria: Invitae Variant Classification Sherloc (09022015). Collection method: clinical testing. Allele origin: germline.
Comment: This sequence change replaces arginine, which is basic and polar, with cysteine, which is neutral and slightly polar, at codon 554 of the PARN protein (p.Arg554Cys). This variant is present in population databases (rs754540436, gnomAD 0.02%). This variant has not been reported in the literature in individuals affected with PARN-related conditions. ClinVar contains an entry for this variant (Variation ID: 1351322). An algorithm developed to predict the effect of missense changes on protein structure and function outputs the following: PolyPhen-2: "Benign". The cysteine amino acid residue is found in multiple mammalian species, which suggests that this missense change does not adversely affect protein function. In summary, the available evidence is currently insufficient to determine the role of this variant in disease. Therefore, it has been classified as a Variant of Uncertain Significance.

Breakthrough Genomics
Classification: Uncertain significance. Review status: criteria provided, single submitter. Criteria: ACMG Guidelines, 2015. Collection method: not provided. Allele origin: germline. Inheritance: Autosomal recessive inheritance. Affected: yes.

NM_002582.4(PARN):c.1660C>T (p.Arg554Cys)

Gene: PARN (poly(A)-specific ribonuclease; minus strand). Cytogenetic location: 16p13.12.
Variant type: single nucleotide variant.
Coding change: c.1660C>T on transcript NM_002582.4 (MANE Select); coding-DNA position 1660, C replaced by T.
Protein change: p.Arg554Cys; replaces arginine 554 with cysteine.
Molecular consequence: missense variant.
Genome position (GRCh38, 1-based): chr16:14,482,648, G>A on the plus strand (C>T on the coding strand, the complement: PARN is on the minus strand). VCF-style: chr16-14482648-G-A. GRCh37 (hg19) VCF-style: chr16-14576505-G-A.
Other names: c.1477C>T, p.Arg493Cys (NM_001134477.3); c.1522C>T, p.Arg508Cys (NM_001242992.2); c.1660C>T (NM_002582.3); short protein forms R508C, R493C, R554C.
Identifiers: ClinVar variation 1351322 (VCV001351322.9), dbSNP rs754540436, ClinGen allele CA7911973.
Genomic context (GRCh38, chr16:14,482,648, plus strand): 5'-AGCCATTGCTAGAACTCTGGCCTTTTAAATTAACAGCTGAGAGCTCTTACCTATTGTTGC[G>A]GTAATAGTGATTCTGCAGGGTGTAGGGTATGCACTGGGGGTTTAACCGTTTGCTGTCAGC-3'
Protein context (NP_002573.1, residues 544-564): IPYTLQNHYY[Arg554Cys]NNSFTAPSTV